The following is an entry in ClinVar:

NM_000435.3(NOTCH3):c.4563A>G (p.Pro1521=)

Gene: NOTCH3 (notch receptor 3; minus strand). Cytogenetic location: 19p13.12.
Variant type: single nucleotide variant.
Coding change: c.4563A>G on transcript NM_000435.3 (MANE Select); coding-DNA position 4563, A replaced by G.
Protein change: p.Pro1521=; no amino-acid change (proline 1521 retained).
Molecular consequence: synonymous variant.
Genome position (GRCh38, 1-based): chr19:15,174,241, T>C on the plus strand (A>G on the coding strand, the complement: NOTCH3 is on the minus strand). VCF-style: chr19-15174241-T-C. GRCh37 (hg19) VCF-style: chr19-15285052-T-C.
Other names: p.Pro1521=.
Identifiers: ClinVar variation 256138 (VCV000256138.39), dbSNP rs1044006, ClinGen allele CA9262893.

ClinVar aggregate classification (germline): Benign. Review status: criteria provided, multiple submitters, no conflicts (2 of 4 stars). 13 submissions from 12 submitters: Benign (10). 3 of the submissions do not count toward it. Last evaluated 2026-02-03.

Conditions:
Lateral meningocele syndrome (LMNS). Also called: NOTCH3-Related Lateral Meningocele Syndrome. Identifiers: Orphanet 2789, MedGen C1851710, MONDO:0007537, OMIM 130720.
Cerebral arteriopathy, autosomal dominant, with subcortical infarcts and leukoencephalopathy, type 1 (CADASIL1). Also called: CASIL; Cerebral arteriopathy with subcortical infarcts and leukoencephalopathy 1; DEMENTIA, HEREDITARY MULTIINFARCT TYPE; CADASIL 1. Identifiers: Orphanet 136, MedGen C4551768, MONDO:0000914, OMIM 125310.

Allele frequency attached by ClinVar (database versions not stated): gnomAD exomes 0.86255; 1000 Genomes Project 0.87181; 1000 Genomes Project 30x 0.87773; ExAC 0.88124; TOPMed 0.89616; gnomAD 0.90235 and 0.90693; ESP Exome Variant Server 0.92614.
gnomAD v4.1: 1,424,950 of 1,595,316 alleles (89%); highest among the groups gnomAD compares: African/African-American, 98%; 637,948 homozygotes.

Submissions (13):

Labcorp Genetics (formerly Invitae), Labcorp
Classification: Benign. Last evaluated: 2026-02-03. Review status: criteria provided, single submitter. Criteria: Invitae Variant Classification Sherloc (09022015). Collection method: clinical testing. Allele origin: germline.

ARUP Laboratories, Molecular Genetics and Genomics, ARUP Laboratories
Classification: Benign. Last evaluated: 2025-07-31. Review status: criteria provided, single submitter. Criteria: ARUP Molecular Germline Variant Investigation Process 2024. Collection method: clinical testing. Allele origin: germline.

Blueprint Genetics
Classification: Benign. Last evaluated: 2024-11-28. Review status: criteria provided, single submitter. Criteria: ACMG Guidelines, 2015. Collection method: clinical testing. Allele origin: germline.

Mayo Clinic Laboratories, Mayo Clinic
Classification: Benign. Last evaluated: 2023-01-11. Review status: criteria provided, single submitter. Criteria: ACMG Guidelines, 2015. Collection method: clinical testing. Allele origin: germline. Observed: 3,024 variant alleles.
Comment: BA1

Genome-Nilou Lab
Classification: Benign for Cerebral arteriopathy, autosomal dominant, with subcortical infarcts and leukoencephalopathy, type 1. Last evaluated: 2021-09-05. Review status: criteria provided, single submitter. Criteria: ACMG Guidelines, 2015. Collection method: clinical testing. Allele origin: germline. Affected: no.

Genome-Nilou Lab
Classification: Benign for Lateral meningocele syndrome. Last evaluated: 2021-09-05. Review status: criteria provided, single submitter. Criteria: ACMG Guidelines, 2015. Collection method: clinical testing. Allele origin: germline. Affected: no.

GeneDx
Classification: Benign. Last evaluated: 2019-03-14. Review status: criteria provided, single submitter. Criteria: GeneDx Variant Classification Process June 2021. Collection method: clinical testing. Allele origin: germline. Affected: yes.
Comment: This variant is associated with the following publications: (PMID: 29544907)

Illumina Laboratory Services, Illumina
Classification: Benign for Cerebral arteriopathy, autosomal dominant, with subcortical infarcts and leukoencephalopathy, type 1. Last evaluated: 2018-01-13. Review status: criteria provided, single submitter. Criteria: ICSL Variant Classification Criteria 13 December 2019. Collection method: clinical testing. Allele origin: germline.
Comment: This variant was observed in the ICSL laboratory as part of a predisposition screen in an ostensibly healthy population. It had not been previously curated by ICSL or reported in the Human Gene Mutation Database (HGMD: prior to June 1st, 2018), and was therefore a candidate for classification through an automated scoring system. Utilizing variant allele frequency, disease prevalence and penetrance estimates, and inheritance mode, an automated score was calculated to assess if this variant is too frequent to cause the disease. Based on the score and internal cut-off values, a variant classified as benign is not then subjected to further curation. The score for this variant resulted in a classification of benign for this disease.

Breakthrough Genomics
Classification: Benign. Review status: criteria provided, single submitter. Criteria: ACMG Guidelines, 2015. Collection method: not provided. Allele origin: germline. Inheritance: Autosomal dominant inheritance. Affected: yes.

PreventionGenetics, part of Exact Sciences
Classification: Benign. Review status: criteria provided, single submitter. Criteria: ACMG Guidelines, 2015. Collection method: clinical testing. Allele origin: germline.

Clinical Genetics DNA and cytogenetics Diagnostics Lab, Erasmus MC, Erasmus Medical Center
Classification: Benign. Review status: no assertion criteria provided. Collection method: clinical testing. Allele origin: germline. Affected: yes. Study: VKGL Data-share Consensus. Not counted in ClinVar's aggregate classification.

Diagnostic Laboratory, Department of Genetics, University Medical Center Groningen
Classification: Benign. Review status: no assertion criteria provided. Collection method: clinical testing. Allele origin: germline. Affected: yes. Study: VKGL Data-share Consensus. Not counted in ClinVar's aggregate classification.

Genome Diagnostics Laboratory, Amsterdam University Medical Center
Classification: Benign. Review status: no assertion criteria provided. Collection method: clinical testing. Allele origin: germline. Affected: yes. Study: VKGL Data-share Consensus. Not counted in ClinVar's aggregate classification.